The following is an entry in ClinVar:

NM_145200.5(CABP4):c.233_234del (p.Glu78fs)

Gene: CABP4 (calcium binding protein 4; plus strand). Cytogenetic location: 11q13.2.
Variant type: Microsatellite.
Coding change: c.233_234del on transcript NM_145200.5 (MANE Select); coding-DNA positions 233 to 234, 2 bases deleted (AG; older notation c.233_234delAG).
Protein change: p.Glu78fs; shifts the reading frame from glutamic acid 78.
Molecular consequence: frameshift variant. On other transcripts: 5 prime UTR variant (2), non-coding transcript variant (1), intron variant (1).
Genome position (GRCh38, 1-based): chr11:67,455,656-67,455,657, AG deleted; deleting any 2 consecutive bases within chr11:67,455,653-67,455,657 gives the same sequence; the c. name uses the placement nearest the transcript's 3' end. VCF-style (leftmost placement, unchanged base first): chr11-67455652-GGA-G. GRCh37 (hg19) VCF-style: chr11-67223123-GGA-G.
Other names: c.-153AG[1] (NM_001300895.3); c.-167AG[1] (NM_001379183.1); c.-112-53_-112-52del (NM_001300896.3); short protein forms E78fs.
Identifiers: ClinVar variation 2038276 (VCV002038276.1), dbSNP rs2495635201, ClinGen allele CA2580615737.
Genomic context (GRCh38, chr11:67,455,652, plus strand): 5'-AGCTCTGGGGAGCAGACAGGCCCCGAGGCCCCGGGGAGCAGCAATAACCCTCCCAGCACT[GGA>G]GAGGGGCCGGCGGGCGCACCCCCTGCATCCCCTGGGCCGGCCTCTTCTCGCCAGTCCCAC-3'

ClinVar aggregate classification (germline): Pathogenic (1 of 4 stars; one submission).

Submission:

Labcorp Genetics (formerly Invitae), Labcorp
Classification: Pathogenic. Last evaluated: 2017-04-26. Review status: criteria provided, single submitter. Criteria: Invitae Variant Classification Sherloc (09022015). Collection method: clinical testing. Allele origin: germline.
Comment: This sequence change deletes 2 nucleotide from exon 1 of the CABP4 mRNA (c.233_234delAG), causing a frameshift at codon 78. This creates a premature translational stop signal (p.Glu78Glyfs*24) and is expected to result in an absent or disrupted protein product. While this particular variant has not been reported in the literature, loss-of-function variants in CABP4 are known to be pathogenic (PMID: 25307992). For these reasons, this variant has been classified as Pathogenic.

Literature cited by the submitters: PubMed 25307992.